The following is an entry in ClinVar:

NM_000360.4(TH):c.91-818G>A

Gene: TH (tyrosine hydroxylase; minus strand). Cytogenetic location: 11p15.5.
Variant type: single nucleotide variant.
Coding change: c.91-818G>A on transcript NM_000360.4 (MANE Select); 818 bases into the intron before coding-DNA position 91, G replaced by A.
Molecular consequence: intron variant. On other transcripts: splice donor variant (2).
Genome position (GRCh38, 1-based): chr11:2,170,689, C>T on the plus strand (G>A on the coding strand, the complement: TH is on the minus strand). VCF-style: chr11-2170689-C-T. GRCh37 (hg19) VCF-style: chr11-2191919-C-T.
Other names: c.171+1G>A (NM_199293.3); c.183+1G>A (NM_199292.3).
Identifiers: ClinVar variation 554554 (VCV000554554.18), dbSNP rs753403788, ClinGen allele CA5818811.
Genomic context (GRCh38, chr11:2,170,689, plus strand): 5'-CAGGGTTGTGGAACATGAAGGGGAGCAGCAGAAGCCCCTCCCAGAGTCCCCTCTTACTTA[C>T]CCTTGGGGTGGGGGTGTAGGATGCAGCTGGGGCTGCAGTTCCAGGCCACGGAGAGCCTGT-3'

ClinVar aggregate classification (germline): Likely pathogenic. Review status: criteria provided, multiple submitters, no conflicts (2 of 4 stars). 5 submissions from 5 submitters: Likely pathogenic (3). 2 of the submissions do not count toward it. Last evaluated 2024-10-23.

Conditions:
TH-deficient dopa-responsive dystonia. Also called: DYT-TH; Tyrosine Hydroxylase-Deficient Dopa-Responsive Dystonia; Segawa syndrome, autosomal recessive. Identifiers: Orphanet 101150, MedGen C2673535, MONDO:0011551, OMIM 605407.

Allele frequency attached by ClinVar (database versions not stated): ExAC 0.00002; gnomAD 0.00003 and 0.00004; gnomAD exomes 0.00001; TOPMed 0.00001.
gnomAD v4.1: 74 of 1,603,762 alleles (0.0046%); highest among the groups gnomAD compares: Non-Finnish European, 0.0057%; no homozygotes.

Submissions (5):

Labcorp Genetics (formerly Invitae), Labcorp
Classification: Likely pathogenic for TH-deficient dopa-responsive dystonia. Last evaluated: 2024-10-23. Review status: criteria provided, single submitter. Criteria: Invitae Variant Classification Sherloc (09022015). Collection method: clinical testing. Allele origin: germline.
Comment: This sequence change affects a donor splice site in intron 2 of the TH gene. It is expected to disrupt RNA splicing. Variants that disrupt the donor or acceptor splice site typically lead to a loss of protein function (PMID: 16199547), and loss-of-function variants in TH are known to be pathogenic (PMID: 22264700, 24753243). The frequency data for this variant in the population databases is considered unreliable, as metrics indicate poor data quality at this position in the gnomAD database. This variant has not been reported in the literature in individuals affected with TH-related conditions. ClinVar contains an entry for this variant (Variation ID: 554554). Algorithms developed to predict the effect of sequence changes on RNA splicing suggest that this variant may disrupt the consensus splice site. In summary, the currently available evidence indicates that the variant is pathogenic, but additional data are needed to prove that conclusively. Therefore, this variant has been classified as Likely Pathogenic.

Fulgent Genetics
Classification: Likely pathogenic for TH-deficient dopa-responsive dystonia. Last evaluated: 2024-01-26. Review status: criteria provided, single submitter. Criteria: ACMG Guidelines, 2015. Collection method: clinical testing. Allele origin: germline.

Baylor Genetics
Classification: Likely pathogenic for TH-deficient dopa-responsive dystonia. Last evaluated: 2024-01-24. Review status: criteria provided, single submitter. Criteria: ACMG Guidelines, 2015. Collection method: clinical testing. Allele origin: unknown.

Natera, Inc.
Classification: Likely pathogenic for Autosomal recessive Segawa syndrome. Last evaluated: 2020-06-25. Review status: no assertion criteria provided. Collection method: clinical testing. Allele origin: germline. Not counted in ClinVar's aggregate classification.

Counsyl
Classification: Uncertain significance for TH-deficient dopa-responsive dystonia. Last evaluated: 2017-10-25. Review status: no assertion criteria provided. Collection method: clinical testing. Allele origin: unknown. Not counted in ClinVar's aggregate classification.

Literature cited by the submitters: PubMed 16199547 (cited by Labcorp Genetics (formerly Invitae), Labcorp); PubMed 22264700 (cited by Labcorp Genetics (formerly Invitae), Labcorp); PubMed 24753243 (cited by Labcorp Genetics (formerly Invitae), Labcorp).